The following is an entry in ClinVar:

NM_018249.6(CDK5RAP2):c.4065C>T (p.Ala1355=)

Gene: CDK5RAP2 (CDK5 regulatory subunit associated protein 2; minus strand). Cytogenetic location: 9q33.2.
Variant type: single nucleotide variant.
Coding change: c.4065C>T on transcript NM_018249.6 (MANE Select); coding-DNA position 4065, C replaced by T.
Protein change: p.Ala1355=; no amino-acid change (alanine 1355 retained).
Molecular consequence: synonymous variant. On other transcripts: non-coding transcript variant (5).
Genome position (GRCh38, 1-based): chr9:120,419,900, G>A on the plus strand (C>T on the coding strand, the complement: CDK5RAP2 is on the minus strand). VCF-style: chr9-120419900-G-A. GRCh37 (hg19) VCF-style: chr9-123182178-G-A.
Other names: c.4065C>T, p.Ala1355= (NM_001011649.3); c.3375C>T, p.Ala1125= (NM_001272039.2); c.3966C>T, p.Ala1322= (NM_001410992.1); c.3969C>T, p.Ala1323= (NM_001410993.1); c.4062C>T, p.Ala1354= (NM_001410994.1).
Identifiers: ClinVar variation 2659466 (VCV002659466.24), dbSNP rs2538951300, ClinGen allele CA466924500.
Genomic context (GRCh38, chr9:120,419,900, plus strand): 5'-CTTCTGGTCTCGTGAGAAGAAGGACTTTTCAGATGTTTCATAATCAGAGAGCGCATGAGA[G>A]GCTGAAGGCTCAGGAGATTCAGGCAGAAGATGTTGGTAGGTTAAGTTGTCTTCCTCAATC-3'
Protein context (NP_060719.4, residues 1345-1365): HLLPESPEPS[Ala1355=]SHALSDYETS

ClinVar aggregate classification (germline): Likely benign (1 of 4 stars; one submission).

Allele frequency attached by ClinVar (database versions not stated): gnomAD exomes below 0.00001.
gnomAD v4.1: 6 of 1,613,796 alleles (0.00037%); highest among the groups gnomAD compares: Non-Finnish European, 0.00051%; no homozygotes.

Submission:

CeGaT Center for Human Genetics Tuebingen
Classification: Likely benign. Last evaluated: 2022-12-01. Review status: criteria provided, single submitter. Criteria: CeGaT Center For Human Genetics Tuebingen Variant Classification Criteria Version 2. Collection method: clinical testing. Allele origin: germline. Affected: yes. Observed: 1 variant allele.
Comment: CDK5RAP2: PM2:Supporting, BP4, BP7